The following is an entry in ClinVar:

NM_001278.5(CHUK):c.989C>T (p.Pro330Leu)

Gene: CHUK (component of inhibitor of nuclear factor kappa B kinase complex; minus strand). Cytogenetic location: 10q24.31.
Variant type: single nucleotide variant.
Coding change: c.989C>T on transcript NM_001278.5 (MANE Select); coding-DNA position 989, C replaced by T.
Protein change: p.Pro330Leu; replaces proline 330 with leucine.
Molecular consequence: missense variant.
Genome position (GRCh38, 1-based): chr10:100,209,734, G>A on the plus strand (C>T on the coding strand, the complement: CHUK is on the minus strand). VCF-style: chr10-100209734-G-A. GRCh37 (hg19) VCF-style: chr10-101969491-G-A.
Other names: c.989C>T, p.Pro330Leu (NM_001320928.2); short protein forms P330L.
Identifiers: ClinVar variation 2974234 (VCV002974234.4), dbSNP rs149766681, ClinGen allele CA5646545.

ClinVar aggregate classification (germline): Uncertain significance. Review status: criteria provided, multiple submitters, no conflicts (2 of 4 stars). 2 submissions from 2 submitters: Uncertain significance (2). Last evaluated 2026-01-22.

Allele frequency attached by ClinVar (database versions not stated): gnomAD exomes 0.00001; ExAC 0.00002; ESP Exome Variant Server 0.00008; gnomAD 0.00009; TOPMed 0.00019.
gnomAD v4.1: 35 of 1,553,764 alleles (0.0023%); highest among the groups gnomAD compares: African/African-American, 0.042%; no homozygotes.

Submissions (2):

Women's Health and Genetics/Laboratory Corporation of America, LabCorp
Classification: Uncertain significance. Last evaluated: 2026-01-22. Review status: criteria provided, single submitter. Criteria: LabCorp Variant Classification Summary - May 2015. Collection method: clinical testing. Allele origin: germline.

Labcorp Genetics (formerly Invitae), Labcorp
Classification: Uncertain significance. Last evaluated: 2023-10-05. Review status: criteria provided, single submitter. Criteria: Invitae Variant Classification Sherloc (09022015). Collection method: clinical testing. Allele origin: germline.
Comment: This sequence change replaces proline, which is neutral and non-polar, with leucine, which is neutral and non-polar, at codon 330 of the CHUK protein (p.Pro330Leu). This variant is present in population databases (rs149766681, gnomAD 0.05%). This variant has not been reported in the literature in individuals affected with CHUK-related conditions. An algorithm developed to predict the effect of missense changes on protein structure and function (PolyPhen-2) suggests that this variant is likely to be tolerated. In summary, the available evidence is currently insufficient to determine the role of this variant in disease. Therefore, it has been classified as a Variant of Uncertain Significance.